The following is an entry in ClinVar:

NM_018699.4(PRDM5):c.475+4T>C

Gene: PRDM5 (PR/SET domain 5; minus strand). Cytogenetic location: 4q27.
Variant type: single nucleotide variant.
Coding change: c.475+4T>C on transcript NM_018699.4 (MANE Select); 4 bases into the intron after coding-DNA position 475, T replaced by C.
Molecular consequence: intron variant.
Genome position (GRCh38, 1-based): chr4:120,821,167, A>G on the plus strand (T>C on the coding strand, the complement: PRDM5 is on the minus strand). VCF-style: chr4-120821167-A-G. GRCh37 (hg19) VCF-style: chr4-121742322-A-G.
Other names: c.475+4T>C (NM_001300824.2, NM_001379106.1, NM_001300823.2 and 2 more transcripts).
Identifiers: ClinVar variation 4847249 (VCV004847249.2).

ClinVar aggregate classification (germline): Conflicting classifications of pathogenicity. Review status: criteria provided, conflicting classifications (1 of 4 stars). 2 submissions from 2 submitters: Uncertain significance (1); Likely benign (1). Last evaluated 2026-03-13.

Conditions:
PRDM5-related disorder. Also called: PRDM5-related condition.

gnomAD v4.1: 8 of 1,613,730 alleles (0.0005%); highest among the groups gnomAD compares: Non-Finnish European, 0.00068%; no homozygotes.

Submissions (2):

Women's Health and Genetics/Laboratory Corporation of America, LabCorp
Classification: Uncertain significance. Last evaluated: 2026-03-13. Review status: criteria provided, single submitter. Criteria: LabCorp Variant Classification Summary - May 2015. Collection method: clinical testing. Allele origin: germline.
Comment: Variant summary: PRDM5 c.475+4T>C alters a conserved nucleotide located close to a canonical splice site and therefore could affect mRNA splicing, leading to a significantly altered protein sequence. Consensus agreement among computation tools predict no significant impact on normal splicing. However, these predictions have yet to be confirmed by functional studies. The variant was absent in 251308 control chromosomes. The available data on variant occurrences in the general population are insufficient to allow any conclusion about variant significance. To our knowledge, no occurrence of c.475+4T>C in individuals affected with PRDM5-related conditions and no experimental evidence demonstrating its impact on protein function have been reported. No submitters have cited clinical-significance assessments for this variant to ClinVar. Based on the evidence outlined above, the variant was classified as uncertain significance.

PreventionGenetics, part of Exact Sciences
Classification: Likely benign for PRDM5-related condition. Last evaluated: 2025-04-02. Review status: criteria provided, single submitter. Criteria: ACMG Guidelines, 2015. Collection method: clinical testing. Allele origin: germline.
Comment: This variant is classified as likely benign based on ACMG/AMP sequence variant interpretation guidelines (Richards et al. 2015 PMID: 25741868, with internal and published modifications).